The following is an entry in ClinVar:

NM_002830.4(PTPN4):c.1253A>G (p.His418Arg)

Gene: PTPN4 (protein tyrosine phosphatase non-receptor type 4; plus strand). Cytogenetic location: 2q14.2.
Variant type: single nucleotide variant.
Coding change: c.1253A>G on transcript NM_002830.4 (MANE Select); coding-DNA position 1253, A replaced by G.
Protein change: p.His418Arg; replaces histidine 418 with arginine.
Molecular consequence: missense variant.
Genome position (GRCh38, 1-based): chr2:119,934,856, A>G. VCF-style: chr2-119934856-A-G. GRCh37 (hg19) VCF-style: chr2-120692432-A-G.
Other names: short protein forms H418R.
Identifiers: ClinVar variation 1442580 (VCV001442580.6), dbSNP rs2105039543, ClinGen allele CA348141400.

ClinVar aggregate classification (germline): Uncertain significance (1 of 4 stars; one submission).

Submission:

Labcorp Genetics (formerly Invitae), Labcorp
Classification: Uncertain significance. Last evaluated: 2021-10-29. Review status: criteria provided, single submitter. Criteria: Invitae Variant Classification Sherloc (09022015). Collection method: clinical testing. Allele origin: germline.
Comment: This sequence change replaces histidine, which is basic and polar, with arginine, which is basic and polar, at codon 418 of the PTPN4 protein (p.His418Arg). This variant is not present in population databases (gnomAD no frequency). This variant has not been reported in the literature in individuals affected with PTPN4-related conditions. Algorithms developed to predict the effect of missense changes on protein structure and function are either unavailable or do not agree on the potential impact of this missense change (SIFT: "Tolerated"; PolyPhen-2: "Possibly Damaging"; Align-GVGD: "Class C0"). In summary, the available evidence is currently insufficient to determine the role of this variant in disease. Therefore, it has been classified as a Variant of Uncertain Significance.